The following is an entry in ClinVar:

ClinVar aggregate classification (germline): Likely pathogenic. Review status: reviewed by expert panel (3 of 4 stars). 6 submissions from 6 submitters: Likely pathogenic (1). 5 of the submissions do not count toward it. Last evaluated 2025-08-01.

Conditions:
RYR1-related disorder. Also called: RYR1-related disorders; RYR1-related condition. Identifiers: MedGen CN239331.
Malignant hyperthermia of anesthesia. Also called: Anesthesic-triggered malignant hyperthermia. Identifiers: Orphanet 423, MedGen C0024591, MONDO:0018493, HP:0034733.
Malignant hyperthermia, susceptibility to, 1 (MHS1). Also called: RYR1-Related Malignant Hyperthermia Susceptibility; Malignant hyperthermia suceptibility 1; Anesthesia related hyperthermia; Malignant hyperpyrexia; Fulminating hyperpyrexia; Pharmacogenic myopathy. Identifiers: Orphanet 423, MedGen C2930980, MONDO:0007783, OMIM 145600.

Allele frequency attached by ClinVar (database versions not stated): TOPMed 0.00001.
gnomAD v4.1: 4 of 1,614,114 alleles (0.00025%); highest among the groups gnomAD compares: Non-Finnish European, 0.00034%; no homozygotes.

Submissions (6):

ClinGen Malignant Hyperthermia Susceptibility Variant Curation Expert Panel, ClinGen
Classification: Likely pathogenic for Malignant hyperthermia, susceptibility to, 1. Last evaluated: 2025-08-01. Review status: reviewed by expert panel. Criteria: RYR1-MHS Interpretation Guidelines V2. Collection method: curation. Allele origin: germline. Inheritance: Autosomal dominant inheritance.
Comment: This pathogenicity assessment is relevant only for malignant hyperthermia susceptibility (MHS) inherited in an autosomal dominant pattern. Variants in RYR1 can also cause other myopathies inherited in an autosomal dominant pattern or in an autosomal recessive pattern. Some of these disorders may predispose individuals to malignant hyperthermia. RYR1 variants may also contribute to a malignant hyperthermia reaction in combination with other genetic and non-genetic factors and the clinician needs to consider such factors in making management decisions. This sequence variant predicts a substitution of arginine with leucine at codon 2435 of the RYR1 protein, p.(Arg2435Leu). This variant was not present in a large population database (gnomAD) at the time this variant was interpreted. This variant has been reported in four unrelated individuals who have a personal or family history of a malignant hyperthermia reaction, three of these individuals had a positive in vitro contracture test (IVCT) or caffeine halothane contracture test (CHCT) result (if the proband was unavailable for testing, a positive diagnostic test result in a mutation-positive relative was counted), PS4_Moderate (PMID:10051009, PMID:23558838, PMID:30236257, The UK (Leeds) MH Unit). No functional studies were identified for this variant. This variant resides in a region of RYR1 considered to be a hotspot for pathogenic variants that contribute to MHS, use PM1_Supporting to avoid overweighting with PM5 (PMID: 21118704). Another variant has been assessed as pathogenic occurs at this codon, p.(Arg2435His), PM5. A REVEL score >0.85 (0.948) supports a pathogenic status for this variant, PP3_Moderate. This variant has been classified as Likely Pathogenic. Criteria implemented: PS4_Moderate, PM1_Supporting, PM5, PP3_Moderate.

Labcorp Genetics (formerly Invitae), Labcorp
Classification: Pathogenic for RYR1-related disorder. Last evaluated: 2025-11-12. Review status: criteria provided, single submitter. Criteria: Invitae Variant Classification Sherloc (09022015). Collection method: clinical testing. Allele origin: germline. Not counted in ClinVar's aggregate classification.
Comment: This sequence change replaces arginine, which is basic and polar, with leucine, which is neutral and non-polar, at codon 2435 of the RYR1 protein (p.Arg2435Leu). This variant is not present in population databases (gnomAD no frequency). This missense change has been observed in individual(s) with autosomal dominant malignant hyperthermia and/or central core disease (PMID: 10051009, 12208234, 12709367, 16835904, 17483490, 19027160, 23183335, 23558838). It has also been observed to segregate with disease in related individuals. This variant is also known as Arg2436Leu. ClinVar contains an entry for this variant (Variation ID: 133196). Invitae Evidence Modeling of protein sequence and biophysical properties (such as structural, functional, and spatial information, amino acid conservation, physicochemical variation, residue mobility, and thermodynamic stability) indicates that this missense variant is expected to disrupt RYR1 protein function with a positive predictive value of 80%. Experimental studies have shown that this missense change affects RYR1 function (PMID: 19027160, 28687594). This variant disrupts the p.Arg2435 amino acid residue in RYR1. Other variant(s) that disrupt this residue have been determined to be pathogenic (internal data). This suggests that this residue is clinically significant, and that variants that disrupt this residue are likely to be disease-causing. For these reasons, this variant has been classified as Pathogenic.

Color Diagnostics, LLC DBA Color Health
Classification: Likely pathogenic for Malignant hyperthermia, susceptibility to, 1. Last evaluated: 2025-06-23. Review status: criteria provided, single submitter. Criteria: ACMG Guidelines, 2015. Collection method: clinical testing. Allele origin: germline. Not counted in ClinVar's aggregate classification.
Comment: This missense variant replaces arginine with leucine at codon 2435 of the RYR1 protein. Computational prediction suggests that this variant may have deleterious impact on protein structure and function. This variant occurs in a region of RYR1 considered to be a hotspot for pathogenic variants that contribute to malignant hyperthermia susceptibility (PMID: 21118704). This variant has been reported in families and individuals affected with malignant hyperthermia susceptibility (PMID: 10051009, 12208234, 12709367, 16835904, 23558838, 30236257). This variant has not been identified in the general population by the Genome Aggregation Database (gnomAD). A different variant occurring at the same codon, p.Arg2435His, is a well-documented pathogenic mutation (ClinVar Variation ID: 12966), indicating that arginine at this position is important for RYR1 protein function. Based on the available evidence, this variant is classified as Likely Pathogenic.

Laboratory for Molecular Medicine, Mass General Brigham Personalized Medicine
Classification: Likely pathogenic for Malignant hyperthermia of anesthesia. Last evaluated: 2023-10-27. Review status: criteria provided, single submitter. Criteria: ACMG Guidelines, 2015. Collection method: clinical testing. Allele origin: germline. Inheritance: Autosomal dominant inheritance. Not counted in ClinVar's aggregate classification.
Comment: The p.Arg2435Leu variant in RYR1 has been reported in the heterozygous state in at least five individuals with malignant hyperthermia susceptibility (MHS; Barone 1999 PMID: 10051009, Galli 2002 PMID: 12208234, Tammaro 2003 PMID: 12709367, Brandom 2013 PMID: 23558838). Additionally, one heterozygous parent of a homozygous individual affected with central core disease (CCD) showed no evidence of the disease, though it is unclear to which anesthesia they were exposed to (Ghassemi 2009 PMID: 19027160). This variant was absent from large population studies (gnomAD, v.3.1.2). In vitro functional studies provide conflicting evidence regarding the impact of this variant on protein function (Dirksen 2004 PMID: 15347586, Ghassemi 2009 PMID: 19027160, Chen 2017 PMID: 28687594). Computational prediction tools and conservation analyses suggest that this variant may impact the protein. This variant resides in a region of RYR1 where variants are statistically more likely to be disease associated for MHS (Laclennan 2010, PMID: 21118704, ClinGen MHS expert panel). Another variant involving this codon (p.Arg2435His) has been identified in individuals with MHS and is classified as pathogenic by this laboratory. Additionally, it has been classified as likely pathogenic on April 7, 2023 by the ClinGen-approved Malignant Hyperthermia Susceptibility Variant Curation Expert Panel (Variation ID: 133196). In summary, although additional studies are required to fully establish its clinical significance, this variant meets criteria to be classified as likely pathogenic for autosomal dominant malignant hyperthermia. ACMG/AMP Criteria applied: PS4_Moderate, PM2_Supporting, PP3, PM5.

GeneDx
Classification: Pathogenic. Last evaluated: 2023-03-21. Review status: criteria provided, single submitter. Criteria: GeneDx Variant Classification Process June 2021. Collection method: clinical testing. Allele origin: germline. Affected: yes. Not counted in ClinVar's aggregate classification.
Comment: Identified in the heterozygous state in affected members of a family with central core disease; but it is unknown whether these individuals were screened for variants in other genes associated with myopathy (PMID: 23183335); Published functional studies demonstrate the variant results in increased calcium channel activity (PMIID: 28687594); In silico analysis supports that this missense variant has a deleterious effect on protein structure/function; Not observed at significant frequency in large population cohorts (gnomAD); This variant is associated with the following publications: (PMID: 10051009, 12668474, 28687594, 19513315, 15347586, 19027160, 25214167, 23558838, 17483490, 32528171, 16835904, 16917943, 12208234, 12709367, 23183335)

RYR1 database
No classification provided. Review status: no classification provided. Collection method: not provided. Allele origin: unknown. Not counted in ClinVar's aggregate classification.

Literature cited by the submitters: PubMed 10051009 (cited by 3 submitters); PubMed 12208234 (cited by 3 submitters); PubMed 12709367 (cited by 3 submitters); PubMed 16835904 (cited by Labcorp Genetics (formerly Invitae), Labcorp and Color Diagnostics, LLC DBA Color Health); PubMed 17483490 (cited by Labcorp Genetics (formerly Invitae), Labcorp and Laboratory for Molecular Medicine, Mass General Brigham Personalized Medicine); PubMed 19027160 (cited by Labcorp Genetics (formerly Invitae), Labcorp and Laboratory for Molecular Medicine, Mass General Brigham Personalized Medicine); PubMed 23183335 (cited by Labcorp Genetics (formerly Invitae), Labcorp); PubMed 23558838 (cited by 3 submitters); PubMed 28687594 (cited by Labcorp Genetics (formerly Invitae), Labcorp and Laboratory for Molecular Medicine, Mass General Brigham Personalized Medicine); PubMed 21118704 (cited by Color Diagnostics, LLC DBA Color Health); PubMed 30236257 (cited by Color Diagnostics, LLC DBA Color Health); PubMed 15347586 (cited by Laboratory for Molecular Medicine, Mass General Brigham Personalized Medicine); PubMed 16917943 (cited by Laboratory for Molecular Medicine, Mass General Brigham Personalized Medicine).

NM_000540.3(RYR1):c.7304G>T (p.Arg2435Leu)

Gene: RYR1 (ryanodine receptor 1; plus strand). Cytogenetic location: 19q13.2.
Variant type: single nucleotide variant.
Coding change: c.7304G>T on transcript NM_000540.3 (MANE Select); coding-DNA position 7304, G replaced by T.
Protein change: p.Arg2435Leu; replaces arginine 2435 with leucine.
Molecular consequence: missense variant.
Genome position (GRCh38, 1-based): chr19:38,499,997, G>T. VCF-style: chr19-38499997-G-T. GRCh37 (hg19) VCF-style: chr19-38990637-G-T.
Other names: NM_000540.2(RYR1):c.7304G>T; c.7304G>T, p.Arg2435Leu (NM_001042723.2); short protein forms R2435L.
Identifiers: ClinVar variation 133196 (VCV000133196.14), dbSNP rs28933396, ClinGen allele CA024753.
Genomic context (GRCh38, chr19:38,499,997, plus strand): 5'-GGGTGCACCTGGGACACGCCATCATGTCCTTCTATGCCGCCTTGATCGACCTGCTCGGAC[G>T]CTGTGCACCAGAGATGCATGTGAGACCCTGAGCCAGGGCAGGATGGGAAGGGAGGGCAGG-3'
Protein context (NP_000531.2, residues 2425-2445): FYAALIDLLG[Arg2435Leu]CAPEMHLIQA